The following is an entry in ClinVar:

ClinVar aggregate classification (germline): Pathogenic (1 of 4 stars; one submission).

Submission:

Clinical Genomics Laboratory, Laboratory for Precision Diagnostics, University of Washington
Classification: Pathogenic. Last evaluated: 2019-08-28. Review status: criteria provided, single submitter. Criteria: Clinical Cytogenomics Laboratory Policy on CNV Interpretation. Collection method: clinical testing. Allele origin: unknown. Affected: yes. Observed: 1 variant allele.
Comment: Incomplete penetrance and variable expressivity

Literature cited by the submitters: PubMed 26433000; PubMed 21841781; PubMed 25689425; PubMed 25946043; PubMed 23258348; PubMed 25596525.

GRCh37/hg19 15q11.2(chr15:22652330-23226254)x1

Genes: CYFIP1 (cytoplasmic FMR1 interacting protein 1; minus strand), GOLGA6L1 (golgin A6 family like 1; minus strand), NIPA1 (NIPA magnesium transporter 1; plus strand), NIPA2 (NIPA magnesium transporter 2; plus strand), TUBGCP5 (tubulin gamma complex component 5; minus strand). Cytogenetic location: 15q11.2.
Variant type: copy number loss.
Change: copy number 1 (one copy instead of two) of chr15:22,652,330-23,226,254 (573.9 kb, GRCh37 coordinates, 1-based), cytogenetic band 15q11.2.
Identifiers: ClinVar variation 929315 (VCV000929315.2).